The following is an entry in ClinVar:

ClinVar aggregate classification (germline): Uncertain significance (1 of 4 stars; one submission).

Allele frequency attached by ClinVar (database versions not stated): gnomAD exomes below 0.00001.
gnomAD v4.1: 2 of 1,614,004 alleles (0.00012%); highest among the groups gnomAD compares: Non-Finnish European, 0.00017%; no homozygotes.

Submission:

GeneDx
Classification: Uncertain significance. Last evaluated: 2022-04-04. Review status: criteria provided, single submitter. Criteria: GeneDx Variant Classification Process June 2021. Collection method: clinical testing. Allele origin: germline. Affected: yes.
Comment: Not observed at significant frequency in large population cohorts (gnomAD); In silico analysis supports that this missense variant does not alter protein structure/function; Has not been previously published as pathogenic or benign to our knowledge

NM_001378120.1(MBD5):c.3629C>T (p.Pro1210Leu)

Gene: MBD5 (methyl-CpG binding domain protein 5; plus strand). Cytogenetic location: 2q23.1.
Variant type: single nucleotide variant.
Coding change: c.3629C>T on transcript NM_001378120.1 (MANE Select); coding-DNA position 3629, C replaced by T.
Protein change: p.Pro1210Leu; replaces proline 1210 with leucine.
Molecular consequence: missense variant.
Genome position (GRCh38, 1-based): chr2:148,485,826, C>T. VCF-style: chr2-148485826-C-T. GRCh37 (hg19) VCF-style: chr2-149243395-C-T.
Other names: c.2930C>T, p.Pro977Leu (NM_018328.5); short protein forms P1210L, P977L.
Identifiers: ClinVar variation 1708625 (VCV001708625.2), dbSNP rs2469996071, ClinGen allele CA348724522.
Genomic context (GRCh38, chr2:148,485,826, plus strand): 5'-CTTTGAGTAACCATCAACTGACTCATCTACAGTCGCTGTTAAACAACAATCAGATGTTTC[C>T]TCCAAATCAGCAACAGCAGCAACTTCTCCAGGGGTACCAGAATCTCCAGGCGTTCCAAGG-3'
Protein context (NP_001365049.1, residues 1200-1220): QSLLNNNQMF[Pro1210Leu]PNQQQQQLLQ